The following is an entry in ClinVar:

NM_005419.4(STAT2):c.1466C>G (p.Pro489Arg)

Gene: STAT2 (signal transducer and activator of transcription 2; minus strand). Cytogenetic location: 12q13.3.
Variant type: single nucleotide variant.
Coding change: c.1466C>G on transcript NM_005419.4 (MANE Select); coding-DNA position 1466, C replaced by G.
Protein change: p.Pro489Arg; replaces proline 489 with arginine.
Molecular consequence: missense variant. On other transcripts: intron variant (1).
Genome position (GRCh38, 1-based): chr12:56,349,034, G>C on the plus strand (C>G on the coding strand, the complement: STAT2 is on the minus strand). VCF-style: chr12-56349034-G-C. GRCh37 (hg19) VCF-style: chr12-56742818-G-C.
Other names: c.1433C>G, p.Pro478Arg (NM_001385110.1); c.1367C>G, p.Pro456Arg (NM_001385111.1); c.1466C>G, p.Pro489Arg (NM_001385113.1); c.1445C>G, p.Pro482Arg (NM_001385114.1); c.1454C>G, p.Pro485Arg (NM_198332.2); c.1429-5C>G (NM_001385115.1); short protein forms P456R, P478R, P482R, P485R, P489R.
Identifiers: ClinVar variation 1056621 (VCV001056621.6), dbSNP rs138681270, ClinGen allele CA6630493.
Genomic context (GRCh38, chr12:56,349,034, plus strand): 5'-CCAACATAGGAGGAGAACTGCCAACTGAGAGCAGGGCCCAGCAAGCTCCAGGGGGCCTTG[G>C]GGGGGTTGGAGAAGAACTGCTGGTTCTGCAGGGGTGGGAGCAGTGTAGGCTGGCTCAGAA-3'
Protein context (NP_005410.1, residues 479-499): LQNQQFFSNP[Pro489Arg]KAPWSLLGPA

ClinVar aggregate classification (germline): Uncertain significance. Review status: criteria provided, multiple submitters, no conflicts (2 of 4 stars). 3 submissions from 3 submitters: Uncertain significance (3). Last evaluated 2024-10-23.

Conditions:
Primary immunodeficiency with post-measles-mumps-rubella vaccine viral infection. Also called: Immunodeficiency 44. Identifiers: Orphanet 431166, MedGen C4225260, MONDO:0014715, OMIM 616636.

Allele frequency attached by ClinVar (database versions not stated): 1000 Genomes Project 30x 0.00016.
gnomAD v4.1: 179 of 1,613,662 alleles (0.011%); highest among the groups gnomAD compares: South Asian, 0.043%; no homozygotes.

Submissions (3):

Blueprint Genetics
Classification: Uncertain significance. Last evaluated: 2024-10-23. Review status: criteria provided, single submitter. Criteria: ACMG Guidelines, 2015. Collection method: clinical testing. Allele origin: germline.

Labcorp Genetics (formerly Invitae), Labcorp
Classification: Uncertain significance for Primary immunodeficiency with post-measles-mumps-rubella vaccine viral infection. Last evaluated: 2022-09-07. Review status: criteria provided, single submitter. Criteria: Invitae Variant Classification Sherloc (09022015). Collection method: clinical testing. Allele origin: germline.
Comment: This sequence change replaces proline, which is neutral and non-polar, with arginine, which is basic and polar, at codon 489 of the STAT2 protein (p.Pro489Arg). This variant is present in population databases (rs138681270, gnomAD 0.06%). This variant has not been reported in the literature in individuals affected with STAT2-related conditions. ClinVar contains an entry for this variant (Variation ID: 1056621). Advanced modeling of protein sequence and biophysical properties (such as structural, functional, and spatial information, amino acid conservation, physicochemical variation, residue mobility, and thermodynamic stability) performed at Invitae indicates that this missense variant is expected to disrupt STAT2 protein function. Algorithms developed to predict the effect of sequence changes on RNA splicing suggest that this variant may disrupt the consensus splice site. In summary, the available evidence is currently insufficient to determine the role of this variant in disease. Therefore, it has been classified as a Variant of Uncertain Significance.

Neuberg Centre For Genomic Medicine, NCGM
Classification: Uncertain significance for Primary immunodeficiency with post-measles-mumps-rubella vaccine viral infection. Review status: criteria provided, single submitter. Criteria: ACMG Guidelines, 2015. Collection method: clinical testing. Allele origin: germline. Inheritance: Autosomal recessive inheritance. Affected: yes.
Comment: The observed missense c.1466C>G (p.Pro489Arg) variant in STAT2 gene has not been reported previously as a pathogenic variant nor as a benign variant, to our knowledge. The p.Pro489Arg variant is present with an allele frequency of 0.02% in gnomAD exomes database. This variant has been submitted to the ClinVar database as Uncertain Significance. Multiple lines of computational evidence predict a damaging effect on protein structure and function for this variant (Sift - damaging; Polyphen - probably damaging; Mutation Taster - disease causing). The amino acid change p.Pro489Arg in STAT2 is predicted as conserved by GERP++ and PhyloP across 100 vertebrates. The amino acid Pro at position 489 is changed to a Arg changing protein sequence and it might alter its composition and physico-chemical properties. Additional studies will be required to prove the pathogenicity of this variant. For these reasons, this variant has been classified as a Variant of Uncertain Significance (VUS).